The following is an entry in ClinVar:

NM_007294.4(BRCA1):c.5514G>T (p.Val1838=)

Gene: BRCA1 (BRCA1 DNA repair associated; minus strand). Cytogenetic location: 17q21.31.
Variant type: single nucleotide variant.
Coding change: c.5514G>T on transcript NM_007294.4 (MANE Select); coding-DNA position 5514, G replaced by T.
Protein change: p.Val1838=; no amino-acid change (valine 1838 retained).
Molecular consequence: synonymous variant. On other transcripts: 3 prime UTR variant (17).
Genome position (GRCh38, 1-based): chr17:43,045,756, C>A on the plus strand (G>T on the coding strand, the complement: BRCA1 is on the minus strand). VCF-style: chr17-43045756-C-A. GRCh37 (hg19) VCF-style: chr17-41197773-C-A.
Other names: c.5301G>T, p.Val1767= (NM_001407571.1, NM_001407894.1, NM_001407895.1 and 12 more transcripts); c.5580G>T, p.Val1860= (NM_001407581.1, NM_001407582.1); c.5577G>T, p.Val1859= (NM_001407583.1, NM_001407585.1, NM_001407587.1 and 1 more transcripts); c.5574G>T, p.Val1858= (NM_001407590.1, NM_001407591.1); c.5514G>T, p.Val1838= (NM_001407593.1, NM_001407594.1, NM_001407596.1 and 5 more transcripts); c.5511G>T, p.Val1837= (NM_001407610.1, NM_001407611.1, NM_001407612.1 and 14 more transcripts); c.5508G>T, p.Val1836= (NM_001407627.1, NM_001407628.1, NM_001407629.1 and 13 more transcripts); c.5505G>T, p.Val1835= (NM_001407644.1, NM_001407645.1); and 74 more.
Identifiers: ClinVar variation 184051 (VCV000184051.33), dbSNP rs786201248, ClinGen allele CA003692.
Genomic context (GRCh38, chr17:43,045,756, plus strand): 5'-GATCTGGGGTATCAGGTAGGTGTCCAGCTCCTGGCACTGGTAGAGTGCTACACTGTCCAA[C>A]ACCCACTCTCGGGTCACCACAGGTGCCTCACACATCTGCCCAATTGCTGGAGACAGAGAA-3'
Protein context (NP_009225.1, residues 1828-1848): CEAPVVTREW[Val1838=]LDSVALYQCQ

ClinVar aggregate classification (germline): Likely benign. Review status: reviewed by expert panel (3 of 4 stars). 11 submissions from 11 submitters: Likely benign (1). 10 of the submissions do not count toward it. Last evaluated 2017-06-29.

Conditions:
Hereditary breast ovarian cancer syndrome. Also called: Hereditary breast and ovarian cancer syndrome; Hereditary breast and ovarian cancer syndrome (HBOC); BRCA1- and BRCA2-Associated Hereditary Breast and Ovarian Cancer; Breast and ovarian cancer; Hereditary breast and ovarian cancer; Hereditary breast and/or ovarian cancer syndrome. Identifiers: Orphanet 145, MedGen C0677776, MeSH D061325, MONDO:0003582. Disease mechanism: loss of function.
Breast-ovarian cancer, familial, susceptibility to, 1 (BROVCA1). Also called: OVARIAN CANCER, SUSCEPTIBILITY TO; BRCA1 Hereditary Breast and Ovarian Cancer. Identifiers: Orphanet 145, MedGen C2676676, MONDO:0011450, OMIM 604370. Disease mechanism: loss of function.
BRCA1-related disorder. Also called: BRCA1-related condition.
Hereditary cancer-predisposing syndrome. Also called: Hereditary Cancer Syndrome; Hereditary neoplastic syndrome; Tumor predisposition; Neoplastic Syndromes, Hereditary. Identifiers: Orphanet 140162, MedGen C0027672, MeSH D009386, MONDO:0015356.

Allele frequency attached by ClinVar (database versions not stated): gnomAD exomes 0.00001.
gnomAD v4.1: 3 of 1,614,136 alleles (0.00019%); highest among the groups gnomAD compares: Non-Finnish European, 0.00017%; no homozygotes.

Submissions (12):

Evidence-based Network for the Interpretation of Germline Mutant Alleles (ENIGMA)
Classification: Likely benign for Breast-ovarian cancer, familial, susceptibility to, 1. Last evaluated: 2017-06-29. Review status: reviewed by expert panel. Criteria: ENIGMA BRCA1/2 Classification Criteria (2017-06-29). Collection method: curation. Allele origin: germline.
Comment: Synonymous substitution variant, with low bioinformatic likelihood to result in a splicing aberration (Splicing prior probability 0.02).

Labcorp Genetics (formerly Invitae), Labcorp
Classification: Likely benign for Hereditary breast ovarian cancer syndrome. Last evaluated: 2026-01-25. Review status: criteria provided, single submitter. Criteria: Invitae Variant Classification Sherloc (09022015). Collection method: clinical testing. Allele origin: germline. Not counted in ClinVar's aggregate classification.

Center for Genomic Medicine, Rigshospitalet, Copenhagen University Hospital
Classification: Likely benign. Last evaluated: 2025-03-04. Review status: criteria provided, single submitter. Criteria: ACMG Guidelines, 2015. Collection method: clinical testing. Allele origin: germline. Not counted in ClinVar's aggregate classification.

All of Us Research Program, National Institutes of Health
Classification: Likely benign for Breast-ovarian cancer, familial, susceptibility to, 1. Last evaluated: 2023-05-04. Review status: criteria provided, single submitter. Criteria: ACMG Guidelines, 2015. Collection method: clinical testing. Allele origin: germline. Inheritance: Autosomal dominant inheritance. Observed: 1 variant allele, 1 heterozygote. Not counted in ClinVar's aggregate classification.
Comment: This study involves interpretation of variants in research participants for the purpose of population health screening. Participant phenotype was not available at the time of variant classification. Additional details can be found in publication PMID: 35346344, PMCID: PMC8962531

Sema4
Classification: Likely benign for Hereditary cancer-predisposing syndrome. Last evaluated: 2020-12-23. Review status: criteria provided, single submitter. Criteria: Sema4 Curation Guidelines. Collection method: curation. Allele origin: germline. Not counted in ClinVar's aggregate classification.

GeneDx
Classification: Likely benign. Last evaluated: 2019-11-26. Review status: criteria provided, single submitter. Criteria: GeneDx Variant Classification Process June 2021. Collection method: clinical testing. Allele origin: germline. Affected: yes. Not counted in ClinVar's aggregate classification.
Comment: This variant is associated with the following publications: (PMID: 30209399)

Women's Health and Genetics/Laboratory Corporation of America, LabCorp
Classification: Likely benign. Last evaluated: 2019-08-21. Review status: criteria provided, single submitter. Criteria: LabCorp Variant Classification Summary - May 2015. Collection method: clinical testing. Allele origin: germline. Not counted in ClinVar's aggregate classification.

Quest Diagnostics Nichols Institute San Juan Capistrano
Classification: Likely benign. Last evaluated: 2018-06-27. Review status: criteria provided, single submitter. Criteria: Quest Diagnostics criteria. Collection method: clinical testing. Allele origin: germline. Not counted in ClinVar's aggregate classification.

Color Diagnostics, LLC DBA Color Health
Classification: Likely benign for Hereditary cancer-predisposing syndrome. Last evaluated: 2016-05-24. Review status: criteria provided, single submitter. Criteria: ACMG Guidelines, 2015. Collection method: clinical testing. Allele origin: germline. Not counted in ClinVar's aggregate classification.

Ambry Genetics
Classification: Likely benign for Hereditary cancer-predisposing syndrome. Last evaluated: 2015-11-17. Review status: criteria provided, single submitter. Criteria: Ambry Variant Classification Scheme 2023. Collection method: clinical testing. Allele origin: germline. Not counted in ClinVar's aggregate classification.

PreventionGenetics, part of Exact Sciences
Classification: Likely benign for BRCA1-related condition. Last evaluated: 2019-11-12. Review status: no assertion criteria provided. Collection method: clinical testing. Allele origin: germline. Not counted in ClinVar's aggregate classification.
Comment: This variant is classified as likely benign based on ACMG/AMP sequence variant interpretation guidelines (Richards et al. 2015 PMID: 25741868, with internal and published modifications).

Brotman Baty Institute, University of Washington
No classification provided (evidence only). Condition: Breast-ovarian cancer, familial 1. Review status: no classification provided. Collection method: in vitro. Allele origin: not applicable. Functional consequence: functionally_normal. Not counted in ClinVar's aggregate classification.
ClinVar note: "not provided" was previously submitted as the classification for the variant. However, the classification appeared to be based only on an observation of functional data so it was converted to no classification on 2025-07-30.